The following is an entry in ClinVar:

ClinVar aggregate classification (germline): Uncertain significance (1 of 4 stars; one submission).

Allele frequency attached by ClinVar (database versions not stated): gnomAD exomes below 0.00001; TOPMed 0.00001.

Submission:

Women's Health and Genetics/Laboratory Corporation of America, LabCorp
Classification: Uncertain significance. Last evaluated: 2025-11-20. Review status: criteria provided, single submitter. Criteria: LabCorp Variant Classification Summary - May 2015. Collection method: clinical testing. Allele origin: germline.
Comment: Variant summary: VPS16 c.737G>A (p.Gly246Glu) results in a non-conservative amino acid change located in the Vps16, N-terminal (IPR006926) of the encoded protein sequence. Algorithms developed to predict the effect of missense changes on protein structure and function are either unavailable or do not agree on the potential impact of this missense change. The variant was absent in 251456 control chromosomes. The available data on variant occurrences in the general population are insufficient to allow any conclusion about variant significance. To our knowledge, no occurrence of c.737G>A in individuals affected with VPS16-related conditions and no experimental evidence demonstrating its impact on protein function have been reported. ClinVar contains an entry for this variant (Variation ID: 1722454). Based on the evidence outlined above, the variant was classified as uncertain significance.

NM_022575.4(VPS16):c.737G>A (p.Gly246Glu)

Gene: VPS16 (VPS16 core subunit of CORVET and HOPS complexes; plus strand). Cytogenetic location: 20p13.
Variant type: single nucleotide variant.
Coding change: c.737G>A on transcript NM_022575.4 (MANE Select); coding-DNA position 737, G replaced by A.
Protein change: p.Gly246Glu; replaces glycine 246 with glutamic acid.
Molecular consequence: missense variant.
Genome position (GRCh38, 1-based): chr20:2,861,076, G>A. VCF-style: chr20-2861076-G-A. GRCh37 (hg19) VCF-style: chr20-2841722-G-A.
Other names: c.737G>A, p.Gly246Glu (NM_080413.3); short protein forms G246E.
Identifiers: ClinVar variation 1722454 (VCV001722454.2), dbSNP rs1445637453, ClinGen allele CA408054273.